The following is an entry in ClinVar:

NM_178857.6(RP1L1):c.967G>A (p.Val323Met)

Gene: RP1L1 (RP1 like 1). Cytogenetic location: 8p23.1.
Variant type: single nucleotide variant.
Coding change: c.967G>A on transcript NM_178857.6 (MANE Select); coding-DNA position 967, G replaced by A.
Protein change: p.Val323Met; replaces valine 323 with methionine.
Molecular consequence: missense variant.
Genome position (GRCh38, 1-based): chr8:10,613,131, C>T on the plus strand (G>A on the coding strand, the complement: RP1L1 is on the minus strand). VCF-style: chr8-10613131-C-T. GRCh37 (hg19) VCF-style: chr8-10470641-C-T.
Other names: short protein forms V323M.
Identifiers: ClinVar variation 910475 (VCV000910475.5), dbSNP rs200724846, ClinGen allele CA4625373.

ClinVar aggregate classification (germline): Likely benign. Review status: criteria provided, single submitter (1 of 4 stars). 2 submissions from 2 submitters: Likely benign (1). 1 of the submissions does not count toward it. Last evaluated 2018-01-12.

Conditions:
Occult macular dystrophy (OCMD). Also called: OMD; OCCULT MACULAR DYSTROPHY, SUSCEPTIBILITY TO. Identifiers: Orphanet 247834, MedGen C3150833, MONDO:0013316, OMIM 613587, HP:0030636.
RP1L1-related disorder. Also called: RP1L1-related condition.

Allele frequency attached by ClinVar (database versions not stated): ExAC 0.00002; gnomAD exomes 0.00003; TOPMed 0.00003; gnomAD 0.00004 and 0.00005; ESP Exome Variant Server 0.00008.
gnomAD v4.1: 37 of 1,613,840 alleles (0.0023%); highest among the groups gnomAD compares: East Asian, 0.011%; no homozygotes.

Submissions (2):

Illumina Laboratory Services, Illumina
Classification: Likely benign for Occult macular dystrophy. Last evaluated: 2018-01-12. Review status: criteria provided, single submitter. Criteria: ICSL Variant Classification Criteria 13 December 2019. Collection method: clinical testing. Allele origin: germline.
Comment: This variant was observed in the ICSL laboratory as part of a predisposition screen in an ostensibly healthy population. It had not been previously curated by ICSL or reported in the Human Gene Mutation Database (HGMD: prior to June 1st, 2018), and was therefore a candidate for classification through an automated scoring system. Utilizing variant allele frequency, disease prevalence and penetrance estimates, and inheritance mode, an automated score was calculated to assess if this variant is too frequent to cause the disease. Based on the score and internal cut-off values, a variant classified as likely benign is not then subjected to further curation. The score for this variant resulted in a classification of likely benign for this disease.

PreventionGenetics, part of Exact Sciences
Classification: Uncertain significance for RP1L1-related condition. Last evaluated: 2024-09-17. Review status: no assertion criteria provided. Collection method: clinical testing. Allele origin: germline. Not counted in ClinVar's aggregate classification.
Comment: The RP1L1 c.967G>A variant is predicted to result in the amino acid substitution p.Val323Met. To our knowledge, this variant has not been reported in the literature. This variant is reported in 0.010% of alleles in individuals of East Asian descent in gnomAD. At this time, the clinical significance of this variant is uncertain due to the absence of conclusive functional and genetic evidence.